The following continues an entry in ClinVar:

NM_000350.3(ABCA4):c.4577C>T (p.Thr1526Met)

Gene: ABCA4. ClinVar aggregate classification (germline): Pathogenic. Pathogenic (1).

Submissions 9 to 21 of 21:

Fulgent Genetics
Classification: Pathogenic for Age related macular degeneration 2; Severe early-childhood-onset retinal dystrophy; Retinitis pigmentosa 19; Cone-rod dystrophy 3. Last evaluated: 2024-04-01. Review status: criteria provided, single submitter. Criteria: ACMG Guidelines, 2015. Collection method: clinical testing. Allele origin: germline. Not counted in ClinVar's aggregate classification.

Molecular Genetics, Royal Melbourne Hospital
Classification: Pathogenic for Severe early-childhood-onset retinal dystrophy. Last evaluated: 2023-03-30. Review status: criteria provided, single submitter. Criteria: ACMG Guidelines, 2015. Collection method: clinical testing. Allele origin: germline. Affected: yes. Not counted in ClinVar's aggregate classification.
Comment: This sequence change is predicted to replace threonine with methionine at codon 1526 of the ABCA4 protein, p.(Thr1526Met). The threonine residue is moderately conserved (100 vertebrates, UCSC), and in the extracellular domain. There is a moderate physicochemical difference between threonine and methionine. The variant is present in a large population cohort at a frequency of 0.006%, which is consistent with recessive disease (rs61750152, 18/282,882 alleles, 0 homozygotes in gnomAD v2.1.1). Multiple Stargardt disease/ABCA4 retinopathy cases are compound heterozygous with a second pathogenic variant or homozygous (PMID: 9973280, 19074458, 28446513), and at least two affected segregations in a single family have been reported for the variant (PMID: 19074458). Multiple lines of computational evidence predict a deleterious effect for the missense substitution (7/7 algorithms). Based on the classification scheme RMH ACMG Guidelines v1.1.1, this variant is classified as PATHOGENIC. Following criteria are met: PM3_VeryStrong, PM2, PP1, PP3.

GeneDx
Classification: Pathogenic. Last evaluated: 2023-01-07. Review status: criteria provided, single submitter. Criteria: GeneDx Variant Classification Process June 2021. Collection method: clinical testing. Allele origin: germline. Affected: yes. Not counted in ClinVar's aggregate classification.
Comment: Published functional studies demonstrate reduced basal ATPase activity and almost absent retinal-stimulated activity (Sun et al., 2000); In silico analysis supports that this missense variant has a deleterious effect on protein structure/function; This variant is associated with the following publications: (PMID: 30653986, 34240658, 34758253, 32467599, 11527935, 21558428, 23918662, 11702214, 11726554, 23755871, 19265867, 21911583, 14517951, 9973280, 26551331, 23982839, 23143460, 30337596, 29925512, 28559085, 31456290, 32581362, 31618761, 32845068, 33301772, 32037395, 35119454, 35409265, 11017087, 19074458, 25082885)

Ocular Genomics Institute, Massachusetts Eye and Ear
Classification: Likely pathogenic for Severe early-childhood-onset retinal dystrophy. Last evaluated: 2021-04-08. Review status: criteria provided, single submitter. Criteria: ACMG Guidelines, 2015. Collection method: research. Allele origin: germline. Affected: yes. Not counted in ClinVar's aggregate classification.
Comment: Through a review of available evidence we were able to apply the following criteria: PS3, PM2, PP3, PP5. Based on this evidence we have classified this variant as Likely Pathogenic.

Institute of Human Genetics, Univ. Regensburg, Univ. Regensburg
Classification: Likely pathogenic for Retinal dystrophy. Last evaluated: 2019-01-01. Review status: criteria provided, single submitter. Criteria: ACMG Guidelines, 2015. Collection method: clinical testing. Allele origin: germline. Affected: yes. Not counted in ClinVar's aggregate classification.

Eurofins Ntd Llc (ga)
Classification: Pathogenic. Last evaluated: 2015-02-12. Review status: criteria provided, single submitter. Criteria: EGL Classification Definitions 2015. Collection method: clinical testing. Allele origin: germline. Observed: 1 variant allele, 1 heterozygote. Not counted in ClinVar's aggregate classification.

Sharon lab, Hadassah-Hebrew University Medical Center
Classification: Pathogenic for Stargardt disease. Last evaluated: 2019-06-23. Review status: no assertion criteria provided. Collection method: research. Allele origin: inherited. Affected: yes. Not counted in ClinVar's aggregate classification.

Centre for Genomic Medicine, Manchester, Central Manchester University Hospitals
Classification: Likely pathogenic for Retinitis pigmentosa 19. Last evaluated: 2015-01-23. Review status: no assertion criteria provided. Collection method: clinical testing. Allele origin: germline. Affected: yes. Not counted in ClinVar's aggregate classification.

NIHR Bioresource Rare Diseases, University of Cambridge
Classification: Likely pathogenic. Last evaluated: 2015-01-01. Review status: no assertion criteria provided. Collection method: research. Allele origin: unknown. Affected: yes. Observed: 1 variant allele. Not counted in ClinVar's aggregate classification.

Genomics England Pilot Project, Genomics England
Classification: Pathogenic for Age related macular degeneration 2. Review status: no assertion criteria provided. Criteria: ACGS Guidelines, 2016. Collection method: clinical testing. Allele origin: germline. Affected: yes. Not counted in ClinVar's aggregate classification.

Genomics England Pilot Project, Genomics England
Classification: Likely pathogenic for Retinitis pigmentosa 19. Review status: no assertion criteria provided. Criteria: ACGS Guidelines, 2016. Collection method: clinical testing. Allele origin: germline. Affected: yes. Not counted in ClinVar's aggregate classification.

Ophthalmo-Genetics Lab, Instituto de Oftalmologia Conde de Valenciana
Classification: Pathogenic for Severe early-childhood-onset retinal dystrophy. Review status: no assertion criteria provided. Collection method: research. Allele origin: germline. Inheritance: Autosomal recessive inheritance. Affected: yes. Not counted in ClinVar's aggregate classification.

Retina International
No classification provided. Review status: no classification provided. Collection method: not provided. Allele origin: not provided. Not counted in ClinVar's aggregate classification.

Literature cited by the submitters: PubMed 9973280 (cited by 6 submitters); PubMed 19074458 (cited by 5 submitters); PubMed 11017087 (cited by 6 submitters); PubMed 973280 (cited by Variantyx, Inc.); PubMed 30337596 (cited by Variantyx, Inc. and Institute of Human Genetics, Univ. Regensburg, Univ. Regensburg); PubMed 28559085 (cited by 3 submitters); PubMed 28446513 (cited by Variantyx, Inc. and Molecular Genetics, Royal Melbourne Hospital); PubMed 30653986 (cited by Variantyx, Inc. and Institute of Human Genetics, Univ. Regensburg, Univ. Regensburg); PubMed 32037395 (cited by Variantyx, Inc. and Institute of Human Genetics, Univ. Regensburg, Univ. Regensburg); PubMed 29925512 (cited by Variantyx, Inc. and Institute of Human Genetics, Univ. Regensburg, Univ. Regensburg); PubMed 32619608 (cited by 3billion); PubMed 27820952 (cited by Ambry Genetics and Ophthalmo-Genetics Lab, Instituto de Oftalmologia Conde de Valenciana); PubMed 31618761 (cited by Institute of Human Genetics, Univ. Regensburg, Univ. Regensburg); PubMed 32467599 (cited by Institute of Human Genetics, Univ. Regensburg, Univ. Regensburg); PubMed 31964843 (cited by Institute of Human Genetics, Univ. Regensburg, Univ. Regensburg); PubMed 32307445 (cited by Institute of Human Genetics, Univ. Regensburg, Univ. Regensburg); PubMed 32845068 (cited by Institute of Human Genetics, Univ. Regensburg, Univ. Regensburg); PubMed 31456290 (cited by Institute of Human Genetics, Univ. Regensburg, Univ. Regensburg); PubMed 32581362 (cited by Institute of Human Genetics, Univ. Regensburg, Univ. Regensburg); PubMed 34758253 (cited by Institute of Human Genetics, Univ. Regensburg, Univ. Regensburg); PubMed 34240658 (cited by Institute of Human Genetics, Univ. Regensburg, Univ. Regensburg); PubMed 33301772 (cited by Institute of Human Genetics, Univ. Regensburg, Univ. Regensburg); PubMed 35119454 (cited by Institute of Human Genetics, Univ. Regensburg, Univ. Regensburg); PubMed 35260635 (cited by Institute of Human Genetics, Univ. Regensburg, Univ. Regensburg); PubMed 36460718 (cited by Institute of Human Genetics, Univ. Regensburg, Univ. Regensburg); PubMed 35409265 (cited by Institute of Human Genetics, Univ. Regensburg, Univ. Regensburg); PubMed 35076026 (cited by Institute of Human Genetics, Univ. Regensburg, Univ. Regensburg); PubMed 36672815 (cited by Institute of Human Genetics, Univ. Regensburg, Univ. Regensburg); PubMed 26872967 (cited by Centre for Genomic Medicine, Manchester, Central Manchester University Hospitals); PubMed 28041643 (cited by NIHR Bioresource Rare Diseases, University of Cambridge).